The following is an entry in ClinVar:

NM_000268.4(NF2):c.1633G>C (p.Glu545Gln)

Gene: NF2 (NF2, moesin-ezrin-radixin like (MERLIN) tumor suppressor; plus strand). Cytogenetic location: 22q12.2.
Variant type: single nucleotide variant.
Coding change: c.1633G>C on transcript NM_000268.4 (MANE Select); coding-DNA position 1633, G replaced by C.
Protein change: p.Glu545Gln; replaces glutamic acid 545 with glutamine.
Molecular consequence: missense variant. On other transcripts: non-coding transcript variant (1), intron variant (1).
Genome position (GRCh38, 1-based): chr22:29,681,497, G>C. VCF-style: chr22-29681497-G-C. GRCh37 (hg19) VCF-style: chr22-30077486-G-C.
Other names: c.1519G>C, p.Glu507Gln (NM_001407053.1, NM_001407056.1); c.1510G>C, p.Glu504Gln (NM_001407054.1, NM_001407058.1, NM_181829.3); c.1507G>C, p.Glu503Gln (NM_001407055.1, NM_181828.3); c.1498G>C, p.Glu500Gln (NM_001407057.1, NM_001407059.1); c.1375G>C, p.Glu459Gln (NM_001407062.1); c.1384G>C, p.Glu462Gln (NM_001407063.1, NM_181830.3, NM_181831.3); c.1099G>C, p.Glu367Gln (NM_001407065.1); c.1633G>C, p.Glu545Gln (NM_001407066.1, NM_016418.5, NM_181825.3 and 1 more transcripts); and 2 more; short protein forms E462Q, E500Q, E459Q, E468Q, E503Q, E367Q, E545Q, E504Q.
Identifiers: ClinVar variation 1776883 (VCV001776883.3), dbSNP rs768422432, ClinGen allele CA032438.

ClinVar aggregate classification (germline): Uncertain significance (1 of 4 stars; one submission).

Conditions:
Hereditary cancer-predisposing syndrome. Also called: Neoplastic Syndromes, Hereditary; Tumor predisposition; Hereditary Cancer Syndrome; Hereditary neoplastic syndrome. Identifiers: Orphanet 140162, MedGen C0027672, MeSH D009386, MONDO:0015356.

Allele frequency attached by ClinVar (database versions not stated): ExAC 0.00001.

Submission:

Ambry Genetics
Classification: Uncertain significance for Hereditary cancer-predisposing syndrome. Last evaluated: 2025-03-02. Review status: criteria provided, single submitter. Criteria: Ambry Variant Classification Scheme 2023. Collection method: clinical testing. Allele origin: germline.
Comment: The p.E545Q variant (also known as c.1633G>C), located in coding exon 15 of the NF2 gene, results from a G to C substitution at nucleotide position 1633. The glutamic acid at codon 545 is replaced by glutamine, an amino acid with highly similar properties. This amino acid position is highly conserved in available vertebrate species. In addition, this alteration is predicted to be deleterious by in silico analysis. Since supporting evidence is limited at this time, the clinical significance of this alteration remains unclear.